The following is an entry in ClinVar:

ClinVar aggregate classification (germline): Pathogenic/Likely pathogenic. Review status: criteria provided, multiple submitters, no conflicts (2 of 4 stars). 2 submissions from 2 submitters: Pathogenic (1); Likely pathogenic (1). Last evaluated 2025-09-02.

Conditions:
Deficiency of aromatic-L-amino-acid decarboxylase. Also called: AADC DEFICIENCY; DDC DEFICIENCY; DOPA DECARBOXYLASE DEFICIENCY; Aromatic L-Amino Acid Decarboxylase Deficiency; Aromatic amino acid decarboxylase deficiency. Identifiers: Orphanet 35708, MedGen C1291564, MONDO:0012084, OMIM 608643.

Allele frequency attached by ClinVar (database versions not stated): TOPMed 0.00001; gnomAD 0.00001; gnomAD exomes 0.00001.

Submissions (2):

Labcorp Genetics (formerly Invitae), Labcorp
Classification: Pathogenic for Deficiency of aromatic-L-amino-acid decarboxylase. Last evaluated: 2025-09-02. Review status: criteria provided, single submitter. Criteria: Invitae Variant Classification Sherloc (09022015). Collection method: clinical testing. Allele origin: germline.
Comment: This sequence change replaces glycine, which is neutral and non-polar, with arginine, which is basic and polar, at codon 123 of the DDC protein (p.Gly123Arg). This variant is present in population databases (rs768596169, gnomAD 0.003%). This missense change has been observed in individual(s) with aromatic L-amino acid decarboxylase deficiency (PMID: 20505134, 32369189, 37348148). ClinVar contains an entry for this variant (Variation ID: 1036808). Invitae Evidence Modeling of protein sequence and biophysical properties (such as structural, functional, and spatial information, amino acid conservation, physicochemical variation, residue mobility, and thermodynamic stability) has been performed for this missense variant. However, the output from this modeling did not meet the statistical confidence thresholds required to predict the impact of this variant on DDC protein function. Experimental studies have shown that this missense change affects DDC function (PMID: 24865461). For these reasons, this variant has been classified as Pathogenic.

Dasa
Classification: Likely pathogenic. Last evaluated: 2025-03-12. Review status: criteria provided, single submitter. Criteria: DASA Assertion Criteria. Collection method: clinical testing. Allele origin: germline.
Comment: NM_001082971.2(DDC):c.367G>A (p.Gly123Arg) is a missense variant that results in the substitution of glycine with arginine. This variant has been recurrently observed in individuals with DDC-related disorders (PMID: 20505134; PMID: 32369189). Also, this variant is rare in population databases. Computational evidence supports a deleterious effect. Based on the currently available evidence, this variant is classified as likely pathogenic.

Literature cited by the submitters: PubMed 20505134 (cited by Labcorp Genetics (formerly Invitae), Labcorp and Dasa); PubMed 32369189 (cited by Labcorp Genetics (formerly Invitae), Labcorp and Dasa); PubMed 37348148 (cited by Labcorp Genetics (formerly Invitae), Labcorp); PubMed 24865461 (cited by Labcorp Genetics (formerly Invitae), Labcorp).

NM_001082971.2(DDC):c.367G>A (p.Gly123Arg)

Genes: DDC (dopa decarboxylase; minus strand), DDC-AS1 (DDC antisense RNA 1; plus strand). Cytogenetic location: 7p12.1.
Variant type: single nucleotide variant.
Coding change: c.367G>A on transcript NM_001082971.2 (MANE Select); coding-DNA position 367, G replaced by A.
Protein change: p.Gly123Arg; replaces glycine 123 with arginine.
Molecular consequence: missense variant. On other transcripts: intron variant (1).
Genome position (GRCh38, 1-based): chr7:50,537,928, C>T on the plus strand (G>A on the coding strand, the complement: DDC is on the minus strand). VCF-style: chr7-50537928-C-T. GRCh37 (hg19) VCF-style: chr7-50605626-C-T.
Other names: c.367G>A, p.Gly123Arg (NM_000790.4, NM_001242887.2, NM_001242889.2 and 1 more transcripts); c.253G>A, p.Gly85Arg (NM_001242886.2); c.201+5957G>A (NM_001242888.2); short protein forms G85R, G123R.
Identifiers: ClinVar variation 1036808 (VCV001036808.11), dbSNP rs768596169, ClinGen allele CA4262390.